The following is an entry in ClinVar:

NM_024537.4(CARS2):c.1054+8G>A

Gene: CARS2 (cysteinyl-tRNA synthetase 2, mitochondrial; minus strand). Cytogenetic location: 13q34.
Variant type: single nucleotide variant.
Coding change: c.1054+8G>A on transcript NM_024537.4 (MANE Select); 8 bases into the intron after coding-DNA position 1054, G replaced by A.
Molecular consequence: intron variant.
Genome position (GRCh38, 1-based): chr13:110,651,026, C>T on the plus strand (G>A on the coding strand, the complement: CARS2 is on the minus strand). VCF-style: chr13-110651026-C-T. GRCh37 (hg19) VCF-style: chr13-111303373-C-T.
Other names: p.?; c.268+8G>A (NM_001352252.2).
Identifiers: ClinVar variation 382783 (VCV000382783.17), dbSNP rs374859, ClinGen allele CA7051962.

ClinVar aggregate classification (germline): Benign/Likely benign. Review status: criteria provided, multiple submitters, no conflicts (2 of 4 stars). 6 submissions from 6 submitters: Benign (2); Likely benign (3). 1 of the submissions does not count toward it. Last evaluated 2026-09-01.

Conditions:
CARS2-related disorder. Also called: CARS2-related condition.
Combined oxidative phosphorylation defect type 27. Also called: Combined oxidative phosphorylation deficiency 27. Identifiers: Orphanet 477774, MedGen C5567608, MONDO:0014728, OMIM 616672.

Allele frequency attached by ClinVar (database versions not stated): gnomAD exomes 0.00098 and 0.00041; ExAC 0.00125; 1000 Genomes Project 30x 0.00359; 1000 Genomes Project 0.00379; gnomAD 0.00396 and 0.00434; TOPMed 0.00469; ESP Exome Variant Server 0.00531.
gnomAD v4.1: 1,243 of 1,609,788 alleles (0.077%); highest among the groups gnomAD compares: African/African-American, 1.4%; 10 homozygotes.

Submissions (6):

CeGaT Center for Human Genetics Tuebingen
Classification: Likely benign. Last evaluated: 2026-09-01. Review status: criteria provided, single submitter. Criteria: CeGaT Center For Human Genetics Tuebingen Variant Classification Criteria Version 2. Collection method: clinical testing. Allele origin: germline. Affected: yes. Observed: 1 variant allele.
Comment: CARS2: BP4, BS1

Labcorp Genetics (formerly Invitae), Labcorp
Classification: Benign for Combined oxidative phosphorylation defect type 27. Last evaluated: 2026-01-28. Review status: criteria provided, single submitter. Criteria: Invitae Variant Classification Sherloc (09022015). Collection method: clinical testing. Allele origin: germline.

Blueprint Genetics
Classification: Likely benign. Last evaluated: 2024-11-06. Review status: criteria provided, single submitter. Criteria: ACMG Guidelines, 2015. Collection method: clinical testing. Allele origin: germline.

Mayo Clinic Laboratories, Mayo Clinic
Classification: Benign. Last evaluated: 2023-11-09. Review status: criteria provided, single submitter. Criteria: ACMG Guidelines, 2015. Collection method: clinical testing. Allele origin: germline. Observed: 2 variant alleles.
Comment: BA1, BP4, BP7

GeneDx
Classification: Likely benign. Last evaluated: 2018-02-02. Review status: criteria provided, single submitter. Criteria: GeneDx Variant Classification (06012015). Collection method: clinical testing. Allele origin: germline. Affected: yes.
Comment: This variant is considered likely benign or benign based on one or more of the following criteria: it is a conservative change, it occurs at a poorly conserved position in the protein, it is predicted to be benign by multiple in silico algorithms, and/or has population frequency not consistent with disease.

PreventionGenetics, part of Exact Sciences
Classification: Benign for CARS2-related condition. Last evaluated: 2019-04-10. Review status: no assertion criteria provided. Collection method: clinical testing. Allele origin: germline. Not counted in ClinVar's aggregate classification.
Comment: This variant is classified as benign based on ACMG/AMP sequence variant interpretation guidelines (Richards et al. 2015 PMID: 25741868, with internal and published modifications).